The following is an entry in ClinVar:

NM_002291.3(LAMB1):c.4507C>G (p.Leu1503Val)

Gene: LAMB1 (laminin subunit beta 1; minus strand). Cytogenetic location: 7q31.1.
Variant type: single nucleotide variant.
Coding change: c.4507C>G on transcript NM_002291.3 (MANE Select); coding-DNA position 4507, C replaced by G.
Protein change: p.Leu1503Val; replaces leucine 1503 with valine.
Molecular consequence: missense variant.
Genome position (GRCh38, 1-based): chr7:107,931,386, G>C on the plus strand (C>G on the coding strand, the complement: LAMB1 is on the minus strand). VCF-style: chr7-107931386-G-C. GRCh37 (hg19) VCF-style: chr7-107571831-G-C.
Other names: c.4507C>G (NM_002291.2); short protein forms L1503V.
Identifiers: ClinVar variation 1483917 (VCV001483917.9), dbSNP rs143448082, ClinGen allele CA4435017.
Genomic context (GRCh38, chr7:107,931,386, plus strand): 5'-GTCTAAAAGTAAAATGAAAAAATTTCTTACGGGTCAAAAAGTTTCTGATTTGCTTGATTA[G>C]ATTTCTCAGCTCCTCATTGCTCTTGTCCATTTTTTCTTTGGTAGCATTTGTCTTCAACAG-3'
Protein context (NP_002282.2, residues 1493-1513): MDKSNEELRN[Leu1503Val]IKQIRNFLTQ

ClinVar aggregate classification (germline): Uncertain significance. Review status: criteria provided, multiple submitters, no conflicts (2 of 4 stars). 2 submissions from 2 submitters: Uncertain significance (2). Last evaluated 2024-03-01.

Conditions:
Inborn genetic diseases. Identifiers: MedGen C0950123, MeSH D030342.

Allele frequency attached by ClinVar (database versions not stated): gnomAD 0.00001; gnomAD exomes 0.00002; ExAC 0.00004.
gnomAD v4.1: 4 of 1,613,622 alleles (0.00025%); highest among the groups gnomAD compares: East Asian, 0.0089%; no homozygotes.

Submissions (2):

Ambry Genetics
Classification: Uncertain significance for Inborn genetic diseases. Last evaluated: 2024-03-01. Review status: criteria provided, single submitter. Criteria: Ambry Variant Classification Scheme 2023. Collection method: clinical testing. Allele origin: germline.

Labcorp Genetics (formerly Invitae), Labcorp
Classification: Uncertain significance. Last evaluated: 2021-12-02. Review status: criteria provided, single submitter. Criteria: Invitae Variant Classification Sherloc (09022015). Collection method: clinical testing. Allele origin: germline.
Comment: In summary, the available evidence is currently insufficient to determine the role of this variant in disease. Therefore, it has been classified as a Variant of Uncertain Significance. Algorithms developed to predict the effect of missense changes on protein structure and function (SIFT, PolyPhen-2, Align-GVGD) all suggest that this variant is likely to be disruptive. This variant has not been reported in the literature in individuals affected with LAMB1-related conditions. This variant is present in population databases (rs143448082, gnomAD 0.03%). This sequence change replaces leucine, which is neutral and non-polar, with valine, which is neutral and non-polar, at codon 1503 of the LAMB1 protein (p.Leu1503Val).